The following is an entry in ClinVar:

ClinVar aggregate classification (germline): Uncertain significance. Review status: criteria provided, multiple submitters, no conflicts (2 of 4 stars). 2 submissions from 2 submitters: Uncertain significance (2). Last evaluated 2024-07-01.

Conditions:
Neuropathy, hereditary sensory and autonomic, type 2A (HSAN2A). Also called: ACROOSTEOLYSIS, GIACCAI TYPE; ACROOSTEOLYSIS, NEUROGENIC; MORVAN DISEASE; NEUROPATHY, CONGENITAL SENSORY; NEUROPATHY, HEREDITARY SENSORY RADICULAR, AUTOSOMAL RECESSIVE; NEUROPATHY, HEREDITARY SENSORY, TYPE IIA. Identifiers: Orphanet 970, MedGen C2752089, MONDO:0024309, OMIM 201300.
Pseudohypoaldosteronism type 2C (PHA2C). Also called: Pseudohypoaldosteronism Type IIC. Identifiers: Orphanet 757, Orphanet 88940, MedGen C1840391, MONDO:0013778, OMIM 614492.

gnomAD v4.1: 9 of 1,614,094 alleles (0.00056%); highest among the groups gnomAD compares: African/African-American, 0.0093%; no homozygotes.

Submissions (2):

Labcorp Genetics (formerly Invitae), Labcorp
Classification: Uncertain significance for Neuropathy, hereditary sensory and autonomic, type 2A; Pseudohypoaldosteronism type 2C. Last evaluated: 2024-07-01. Review status: criteria provided, single submitter. Criteria: Invitae Variant Classification Sherloc (09022015). Collection method: clinical testing. Allele origin: germline.
Comment: This sequence change replaces serine, which is neutral and polar, with phenylalanine, which is neutral and non-polar, at codon 2230 of the WNK1 protein (p.Ser2230Phe). This variant is present in population databases (rs749998570, gnomAD 0.02%). This variant has not been reported in the literature in individuals affected with WNK1-related conditions. Advanced modeling of protein sequence and biophysical properties (such as structural, functional, and spatial information, amino acid conservation, physicochemical variation, residue mobility, and thermodynamic stability) performed at Invitae indicates that this missense variant is not expected to disrupt WNK1 protein function with a negative predictive value of 95%. In summary, the available evidence is currently insufficient to determine the role of this variant in disease. Therefore, it has been classified as a Variant of Uncertain Significance.

Fulgent Genetics
Classification: Uncertain significance for Neuropathy, hereditary sensory and autonomic, type 2A; Pseudohypoaldosteronism type 2C. Last evaluated: 2024-03-18. Review status: criteria provided, single submitter. Criteria: ACMG Guidelines, 2015. Collection method: clinical testing. Allele origin: germline.

NM_018979.4(WNK1):c.5933C>T (p.Ser1978Phe)

Gene: WNK1 (WNK lysine deficient protein kinase 1; plus strand). Cytogenetic location: 12p13.33.
Variant type: single nucleotide variant.
Coding change: c.5933C>T on transcript NM_018979.4 (MANE Select); coding-DNA position 5933, C replaced by T.
Protein change: p.Ser1978Phe; replaces serine 1978 with phenylalanine.
Molecular consequence: missense variant.
Genome position (GRCh38, 1-based): chr12:896,420, C>T. VCF-style: chr12-896420-C-T. GRCh37 (hg19) VCF-style: chr12-1005586-C-T.
Other names: c.6713C>T, p.Ser2238Phe (NM_001184985.2); c.5189C>T, p.Ser1730Phe (NM_014823.3); c.6689C>T, p.Ser2230Phe (NM_213655.5); short protein forms S2238F, S1730F, S1978F, S2230F.
Identifiers: ClinVar variation 3574151 (VCV003574151.3).